The following is an entry in ClinVar:

ClinVar aggregate classification (germline): Uncertain significance (1 of 4 stars; one submission).

Allele frequency attached by ClinVar (database versions not stated): TOPMed below 0.00001; gnomAD 0.00001; gnomAD exomes 0.00001; ExAC 0.00005; ESP Exome Variant Server 0.00008.
gnomAD v4.1: 5 of 1,611,418 alleles (0.00031%); highest among the groups gnomAD compares: African/African-American, 0.0027%; no homozygotes.

Submission:

Labcorp Genetics (formerly Invitae), Labcorp
Classification: Uncertain significance. Last evaluated: 2022-03-10. Review status: criteria provided, single submitter. Criteria: Invitae Variant Classification Sherloc (09022015). Collection method: clinical testing. Allele origin: germline.
Comment: This sequence change replaces arginine, which is basic and polar, with histidine, which is basic and polar, at codon 362 of the DHX38 protein (p.Arg362His). The frequency data for this variant in the population databases is considered unreliable, as metrics indicate poor data quality at this position in the gnomAD database. This variant has not been reported in the literature in individuals affected with DHX38-related conditions. Algorithms developed to predict the effect of missense changes on protein structure and function (SIFT, PolyPhen-2, Align-GVGD) all suggest that this variant is likely to be disruptive. In summary, the available evidence is currently insufficient to determine the role of this variant in disease. Therefore, it has been classified as a Variant of Uncertain Significance.

NM_014003.4(DHX38):c.1085G>A (p.Arg362His)

Gene: DHX38 (DEAH-box helicase 38; plus strand). Cytogenetic location: 16q22.2.
Variant type: single nucleotide variant.
Coding change: c.1085G>A on transcript NM_014003.4 (MANE Select); coding-DNA position 1085, G replaced by A.
Protein change: p.Arg362His; replaces arginine 362 with histidine.
Molecular consequence: missense variant.
Genome position (GRCh38, 1-based): chr16:72,099,856, G>A. VCF-style: chr16-72099856-G-A. GRCh37 (hg19) VCF-style: chr16-72133755-G-A.
Other names: short protein forms R362H.
Identifiers: ClinVar variation 1425445 (VCV001425445.8), dbSNP rs138115620, ClinGen allele CA8160200.